The following is an entry in ClinVar:

NM_018713.3(SLC30A10):c.959-62T>G

Gene: SLC30A10 (solute carrier family 30 member 10; minus strand). Cytogenetic location: 1q41.
Variant type: single nucleotide variant.
Coding change: c.959-62T>G on transcript NM_018713.3 (MANE Select); 62 bases into the intron before coding-DNA position 959, T replaced by G.
Molecular consequence: intron variant.
Genome position (GRCh38, 1-based): chr1:219,916,010, A>C on the plus strand (T>G on the coding strand, the complement: SLC30A10 is on the minus strand). VCF-style: chr1-219916010-A-C. GRCh37 (hg19) VCF-style: chr1-220089352-A-C.
Other names: c.770-62T>G (NM_001376929.1).
Identifiers: ClinVar variation 1274092 (VCV001274092.4), dbSNP rs2231734, ClinGen allele CA10752503.
Genomic context (GRCh38, chr1:219,916,010, plus strand): 5'-TATAACAGAGAAGAGCAAACAAAAGCCAAGGTGAGCGCTGCATTTGAAACATGGAACTAC[A>C]GGAGGGATATGGTTCCGTTAAGCATTCTCACCAAAATGGCTGCCTACTTACTACGAACAG-3'

ClinVar aggregate classification (germline): Benign. Review status: criteria provided, multiple submitters, no conflicts (2 of 4 stars). 3 submissions from 3 submitters: Benign (3). Last evaluated 2024-07-31.

Allele frequency attached by ClinVar (database versions not stated): 1000 Genomes Project 30x 0.29216; 1000 Genomes Project 0.29253; TOPMed 0.30414; gnomAD 0.31272 and 0.31485.
gnomAD v4.1: 579,680 of 1,556,430 alleles (37%); highest among the groups gnomAD compares: Non-Finnish European, 40%; 110,955 homozygotes.

Submissions (3):

Unidad de Genómica Garrahan, Hospital de Pediatría Garrahan
Classification: Benign. Last evaluated: 2024-07-31. Review status: criteria provided, single submitter. Criteria: ACMG Guidelines, 2015. Collection method: clinical testing. Allele origin: germline. Affected: no. Observed: 36 variant alleles.
Comment: This variant is classified as Benign based on local population frequency. This variant was detected in 39% of patients studied in a panel designed for Epileptic and Developmental Encephalopathy, Progressive Myoclonus Epilepsy and Abnormal Movements and Neurodegeneration with brain iron accumulation. Number of patients: 36. Only high quality variants are reported.

GeneDx
Classification: Benign. Last evaluated: 2018-07-17. Review status: criteria provided, single submitter. Criteria: GeneDx Variant Classification Process June 2021. Collection method: clinical testing. Allele origin: germline. Affected: yes.

Breakthrough Genomics
Classification: Benign. Review status: criteria provided, single submitter. Criteria: ACMG Guidelines, 2015. Collection method: not provided. Allele origin: germline. Inheritance: Autosomal recessive inheritance. Affected: yes.